The following is an entry in ClinVar:

ClinVar aggregate classification (germline): Conflicting classifications of pathogenicity. Review status: criteria provided, conflicting classifications (1 of 4 stars). 3 submissions from 3 submitters: Likely pathogenic (1); Uncertain significance (2). Last evaluated 2025-06-04.

Conditions:
CACNA2D4-related disorder. Also called: CACNA2D4-related condition.

Allele frequency attached by ClinVar (database versions not stated): ExAC 0.00001; gnomAD exomes 0.00002 and 0.00006; TOPMed 0.00003; gnomAD 0.00005; ESP Exome Variant Server 0.00016.
gnomAD v4.1: 86 of 1,613,834 alleles (0.0053%); highest among the groups gnomAD compares: Non-Finnish European, 0.007%; no homozygotes.

Submissions (3):

Labcorp Genetics (formerly Invitae), Labcorp
Classification: Uncertain significance. Last evaluated: 2025-06-04. Review status: criteria provided, single submitter. Criteria: Invitae Variant Classification Sherloc (09022015). Collection method: clinical testing. Allele origin: germline.
Comment: This sequence change affects a donor splice site in intron 32 of the CACNA2D4 gene. It is expected to disrupt RNA splicing. Variants that disrupt the donor or acceptor splice site typically lead to a loss of protein function (PMID: 16199547), however the current clinical and genetic evidence is not sufficient to establish whether loss-of-function variants in CACNA2D4 cause disease. This variant is present in population databases (rs202130308, gnomAD 0.006%). This variant has not been reported in the literature in individuals affected with CACNA2D4-related conditions. ClinVar contains an entry for this variant (Variation ID: 1507308). Algorithms developed to predict the effect of sequence changes on RNA splicing suggest that this variant may disrupt the consensus splice site. In summary, the available evidence is currently insufficient to determine the role of this variant in disease. Therefore, it has been classified as a Variant of Uncertain Significance.

Blueprint Genetics
Classification: Likely pathogenic for CACNA2D4-related disorders. Last evaluated: 2024-11-13. Review status: criteria provided, single submitter. Criteria: ACMG Guidelines, 2015. Collection method: clinical testing. Allele origin: germline. Affected: yes. Observed: 5 variant alleles.

GeneDx
Classification: Uncertain significance. Last evaluated: 2024-02-29. Review status: criteria provided, single submitter. Criteria: GeneDx Variant Classification Process June 2021. Collection method: clinical testing. Allele origin: germline. Affected: yes.
Comment: Reported previously as a likely pathogenic variant in a presumed unaffected individual in a database of genes related to autosomal recessive retinal disease (PMID: 31964843); Canonical splice site variant predicted to result in a null allele in a gene for which loss of function is a known mechanism of disease; This variant is associated with the following publications: (PMID: 31964843)

Literature cited by the submitters: PubMed 16199547 (cited by Labcorp Genetics (formerly Invitae), Labcorp).

NM_172364.5(CACNA2D4):c.2921+1G>A

Gene: CACNA2D4 (calcium voltage-gated channel auxiliary subunit alpha2delta 4; minus strand). Cytogenetic location: 12p13.33.
Variant type: single nucleotide variant.
Coding change: c.2921+1G>A on transcript NM_172364.5 (MANE Select); the canonical splice donor site of the intron after coding-DNA position 2921, G replaced by A.
Molecular consequence: splice donor variant.
Genome position (GRCh38, 1-based): chr12:1,800,385, C>T on the plus strand (G>A on the coding strand, the complement: CACNA2D4 is on the minus strand). VCF-style: chr12-1800385-C-T. GRCh37 (hg19) VCF-style: chr12-1909551-C-T.
Identifiers: ClinVar variation 1507308 (VCV001507308.10), dbSNP rs202130308, ClinGen allele CA6386151.